The following is an entry in ClinVar:

NM_007294.4(BRCA1):c.3433G>A (p.Val1145Ile)

Genes: BRCA1 (BRCA1 DNA repair associated; minus strand), LOC126862571 (BRD4-independent group 4 enhancer GRCh37_chr17:41243136-41244335; plus strand). Cytogenetic location: 17q21.31.
Variant type: single nucleotide variant.
Coding change: c.3433G>A on transcript NM_007294.4 (MANE Select); coding-DNA position 3433, G replaced by A.
Protein change: p.Val1145Ile; replaces valine 1145 with isoleucine.
Molecular consequence: missense variant. On other transcripts: intron variant (135).
Genome position (GRCh38, 1-based): chr17:43,092,098, C>T on the plus strand (G>A on the coding strand, the complement: BRCA1 is on the minus strand). VCF-style: chr17-43092098-C-T. GRCh37 (hg19) VCF-style: chr17-41244115-C-T.
Other names: c.3292G>A, p.Val1098Ile (NM_001407850.1, NM_001407851.1, NM_001407852.1 and 29 more transcripts); c.3220G>A, p.Val1074Ile (NM_001407853.1, NM_001407894.1, NM_001407895.1 and 9 more transcripts); c.3433G>A, p.Val1145Ile (NM_001407854.1, NM_001407858.1, NM_001407859.1 and 30 more transcripts); c.3430G>A, p.Val1144Ile (NM_001407860.1, NM_001407861.1, NM_001407587.1 and 22 more transcripts); c.3232G>A, p.Val1078Ile (NM_001407862.1); c.3310G>A, p.Val1104Ile (NM_001407863.1, NM_001407919.1, NM_001407937.1 and 19 more transcripts); c.3229G>A, p.Val1077Ile (NM_001407874.1, NM_001407875.1); c.3223G>A, p.Val1075Ile (NM_001407879.1, NM_001407881.1, NM_001407882.1 and 13 more transcripts); and 41 more; short protein forms V1145I, V1098I, V1075I, V1103I, V1118I, V277I, V849I, V977I.
Identifiers: ClinVar variation 491062 (VCV000491062.8), dbSNP rs431825396, ClinGen allele CA10595117.

ClinVar aggregate classification (germline): Conflicting classifications of pathogenicity. Review status: criteria provided, conflicting classifications (1 of 4 stars). 3 submissions from 3 submitters: Uncertain significance (2); Likely benign (1). Last evaluated 2026-04-08.

Conditions:
Hereditary cancer-predisposing syndrome. Also called: Tumor predisposition; Hereditary neoplastic syndrome; Neoplastic Syndromes, Hereditary; Hereditary Cancer Syndrome. Identifiers: Orphanet 140162, MedGen C0027672, MeSH D009386, MONDO:0015356.

gnomAD v4.1: 3 of 1,614,024 alleles (0.00019%); highest among the groups gnomAD compares: East Asian, 0.0045%; no homozygotes.

Submissions (3):

Ambry Genetics
Classification: Uncertain significance for Hereditary cancer-predisposing syndrome. Last evaluated: 2026-04-08. Review status: criteria provided, single submitter. Criteria: Ambry Variant Classification Scheme 2023. Collection method: clinical testing. Allele origin: germline.
Comment: The p.V1145I variant (also known as c.3433G>A), located in coding exon 9 of the BRCA1 gene, results from a G to A substitution at nucleotide position 3433. The valine at codon 1145 is replaced by isoleucine, an amino acid with highly similar properties. This amino acid position is not well conserved in available vertebrate species. In addition, this alteration is predicted to be tolerated by in silico analysis. Based on the available evidence, the clinical significance of this variant remains unclear.

University of Washington Department of Laboratory Medicine, University of Washington
Classification: Likely benign for Hereditary cancer-predisposing syndrome. Last evaluated: 2023-03-23. Review status: criteria provided, single submitter. Criteria: Dines et al. (Genet Med. 2020). Collection method: curation. Allele origin: germline.
Comment: Missense variant in a coldspot region where missense variants are very unlikely to be pathogenic (PMID:31911673).

BRCA1 coldspot (exon 11 using historical exon numbering). Reclassification based on statistical prior probability

Color Diagnostics, LLC DBA Color Health
Classification: Uncertain significance for Hereditary cancer-predisposing syndrome. Last evaluated: 2019-04-05. Review status: criteria provided, single submitter. Criteria: ACMG Guidelines, 2015. Collection method: clinical testing. Allele origin: germline.